The following is an entry in ClinVar:

NM_000092.5(COL4A4):c.4324G>T (p.Gly1442Ter)

Gene: COL4A4 (collagen type IV alpha 4 chain; minus strand). Cytogenetic location: 2q36.3.
Variant type: single nucleotide variant.
Coding change: c.4324G>T on transcript NM_000092.5 (MANE Select); coding-DNA position 4324, G replaced by T.
Protein change: p.Gly1442Ter; replaces glycine 1442 with a stop codon.
Molecular consequence: nonsense.
Genome position (GRCh38, 1-based): chr2:227,012,190, C>A on the plus strand (G>T on the coding strand, the complement: COL4A4 is on the minus strand). VCF-style: chr2-227012190-C-A. GRCh37 (hg19) VCF-style: chr2-227876906-C-A.
Other names: short protein forms G1442*.
Identifiers: ClinVar variation 983884 (VCV000983884.3), dbSNP rs1963884904, ClinGen allele CA350836393.

ClinVar aggregate classification (germline): Likely pathogenic (1 of 4 stars; one submission).

Conditions:
Autosomal recessive Alport syndrome (ATS2). Also called: ALPORT SYNDROME 2, AUTOSOMAL RECESSIVE; Alport syndrome type 2; COL4A4 Alport Syndrome and Thin Basement Membrane Nephropathy; COL4A3-Related Nephropathy. Identifiers: Orphanet 63, Orphanet 88919, MedGen C4746745, MONDO:0008762, OMIM 203780.

Submission:

Myriad Genetics, Inc.
Classification: Likely pathogenic for Autosomal recessive Alport syndrome. Last evaluated: 2020-01-01. Review status: criteria provided, single submitter. Criteria: Myriad Women's Health Autosomal Recessive and X-Linked Classification Criteria (2019). Collection method: clinical testing. Allele origin: unknown.
Comment: NM_000092.4(COL4A4):c.4324G>T(G1442*) is expected to be pathogenic in the context of COL4A4-related Alport syndrome. This variant is predicted to lead to an abnormal or absent protein product due to the creation of a premature termination codon in COL4A4, a gene where loss-of-function variants are known to be pathogenic. Please note: this variant was assessed in the context of healthy population screening.